The following is an entry in ClinVar:

ClinVar aggregate classification (germline): Uncertain significance (1 of 4 stars; one submission).

Conditions:
Familial sleep-related hypermotor epilepsy. Also called: Autosomal Dominant Sleep-Related Hypermotor (Hyperkinetic) Epilepsy. Identifiers: Orphanet 98784, MedGen C3696898, MONDO:0000030.

Submission:

Labcorp Genetics (formerly Invitae), Labcorp
Classification: Uncertain significance. Last evaluated: 2025-08-22. Review status: criteria provided, single submitter. Criteria: Invitae Variant Classification Sherloc (09022015). Collection method: clinical testing. Allele origin: germline.
Comment: This sequence change replaces aspartic acid, which is acidic and polar, with glycine, which is neutral and non-polar, at codon 221 of the CHRNA2 protein (p.Asp221Gly). This variant is not present in population databases (gnomAD no frequency). This variant has not been reported in the literature in individuals affected with CHRNA2-related conditions. ClinVar contains an entry for this variant (Variation ID: 2064095). Invitae Evidence Modeling of protein sequence and biophysical properties (such as structural, functional, and spatial information, amino acid conservation, physicochemical variation, residue mobility, and thermodynamic stability) indicates that this missense variant is expected to disrupt CHRNA2 protein function with a positive predictive value of 80%. In summary, the available evidence is currently insufficient to determine the role of this variant in disease. Therefore, it has been classified as a Variant of Uncertain Significance.

NM_000742.4(CHRNA2):c.662A>G (p.Asp221Gly)

Gene: CHRNA2 (cholinergic receptor nicotinic alpha 2 subunit; minus strand). Cytogenetic location: 8p21.2.
Variant type: single nucleotide variant.
Coding change: c.662A>G on transcript NM_000742.4 (MANE Select); coding-DNA position 662, A replaced by G.
Protein change: p.Asp221Gly; replaces aspartic acid 221 with glycine.
Molecular consequence: missense variant.
Genome position (GRCh38, 1-based): chr8:27,463,781, T>C on the plus strand (A>G on the coding strand, the complement: CHRNA2 is on the minus strand). VCF-style: chr8-27463781-T-C. GRCh37 (hg19) VCF-style: chr8-27321298-T-C.
Other names: c.617A>G, p.Asp206Gly (NM_001282455.2); c.185A>G, p.Asp62Gly (NM_001347705.2, NM_001347706.2); c.68A>G, p.Asp23Gly (NM_001347707.2, NM_001347708.2); short protein forms D206G, D221G, D62G, D23G.
Identifiers: ClinVar variation 2064095 (VCV002064095.4), dbSNP rs2490541829, ClinGen allele CA370811101.